The following is an entry in ClinVar:

GRCh38/hg38 12q12(chr12:45891780-45905075)x1

Gene: ARID2 (AT-rich interaction domain 2; plus strand). Cytogenetic location: 12q12.
Variant type: copy number loss.
Change: copy number 1 (one copy instead of two) of chr12:45,891,780-45,905,075 (13.3 kb, GRCh38 coordinates, 1-based), cytogenetic band 12q12.
Identifiers: ClinVar variation 3390355 (VCV003390355.2).

ClinVar aggregate classification (germline): Pathogenic (0 of 4 stars; one submission).

Conditions:
Coffin-Siris syndrome 6. Identifiers: MedGen C4540499, MONDO:0033492, OMIM 617808.

Submission:

Laboratoire de Cytogenomique, Chu Angers
Classification: Pathogenic for Coffin-Siris syndrome 6. Last evaluated: 2024-12-13. Review status: no assertion criteria provided. Collection method: clinical testing. Allele origin: de novo. Inheritance: Autosomal dominant inheritance. Affected: yes. Observed: 1 heterozygote.
Comment: Demonstration of a 13.3 kb interstitial deletion by CGH array encompassing exons 17 to 21 of the OMIM morbid gene ARID2 (609539), associated with Coffin-Siris syndrome 6 (#617808). This rearrangement is absent from the population databases consulted (DGV, gnomAD v4). Parental segregation analysis supports a de novo occurrence. ARID2 is known to be haploinsufficient, with a LOEUF score of 0.22 and a pLI score of 1.00. Consequently, this deletion constitutes a pathogenic rearrangement contributing to the patient's phenotype.